The following is an entry in ClinVar:

NM_006846.4(SPINK5):c.2666+233G>A

Gene: SPINK5 (serine peptidase inhibitor Kazal type 5; plus strand). Cytogenetic location: 5q32.
Variant type: single nucleotide variant.
Coding change: c.2666+233G>A on transcript NM_006846.4 (MANE Select); 233 bases into the intron after coding-DNA position 2666, G replaced by A.
Molecular consequence: intron variant.
Genome position (GRCh38, 1-based): chr5:148,124,193, G>A. VCF-style: chr5-148124193-G-A. GRCh37 (hg19) VCF-style: chr5-147503756-G-A.
Other names: c.2666+233G>A (NM_001127698.2, NM_001127699.2).
Identifiers: ClinVar variation 677141 (VCV000677141.1), dbSNP rs1422994, ClinGen allele CA128940085.

ClinVar aggregate classification (germline): Benign (1 of 4 stars; one submission).

Allele frequency attached by ClinVar (database versions not stated): 1000 Genomes Project 0.50938; 1000 Genomes Project 30x 0.51015; TOPMed 0.55835; gnomAD 0.56165 and 0.56275.
gnomAD v4.1: 85,416 of 152,038 alleles (56%); highest among the groups gnomAD compares: Admixed American, 65%; 24,708 homozygotes.

Submission:

GeneDx
Classification: Benign. Last evaluated: 2018-06-14. Review status: criteria provided, single submitter. Criteria: GeneDx Variant Classification (06012015). Collection method: clinical testing. Allele origin: germline. Affected: yes.
Comment: This variant is considered likely benign or benign based on one or more of the following criteria: it is a conservative change, it occurs at a poorly conserved position in the protein, it is predicted to be benign by multiple in silico algorithms, and/or has population frequency not consistent with disease.